The following is an entry in ClinVar:

ClinVar aggregate classification (germline): Likely benign. Review status: criteria provided, single submitter (1 of 4 stars). 2 submissions from 2 submitters: Likely benign (1). 1 of the submissions does not count toward it. Last evaluated 2025-07-22.

Conditions:
HSPG2-related disorder. Also called: HSPG2-related condition; HSPG2-related disorders.

Allele frequency attached by ClinVar (database versions not stated): gnomAD 0.00001; TOPMed 0.00003.
gnomAD v4.1: 16 of 1,613,688 alleles (0.00099%); highest among the groups gnomAD compares: East Asian, 0.0067%; no homozygotes.

Submissions (2):

Labcorp Genetics (formerly Invitae), Labcorp
Classification: Likely benign. Last evaluated: 2025-07-22. Review status: criteria provided, single submitter. Criteria: Invitae Variant Classification Sherloc (09022015). Collection method: clinical testing. Allele origin: germline.

PreventionGenetics, part of Exact Sciences
Classification: Likely benign for HSPG2-related condition. Last evaluated: 2021-06-16. Review status: no assertion criteria provided. Collection method: clinical testing. Allele origin: germline. Not counted in ClinVar's aggregate classification.
Comment: This variant is classified as likely benign based on ACMG/AMP sequence variant interpretation guidelines (Richards et al. 2015 PMID: 25741868, with internal and published modifications).

NM_005529.7(HSPG2):c.10524C>T (p.Phe3508=)

Gene: HSPG2 (heparan sulfate proteoglycan 2; minus strand). Cytogenetic location: 1p36.12.
Variant type: single nucleotide variant.
Coding change: c.10524C>T on transcript NM_005529.7 (MANE Select); coding-DNA position 10524, C replaced by T.
Protein change: p.Phe3508=; no amino-acid change (phenylalanine 3508 retained).
Molecular consequence: synonymous variant.
Genome position (GRCh38, 1-based): chr1:21,834,875, G>A on the plus strand (C>T on the coding strand, the complement: HSPG2 is on the minus strand). VCF-style: chr1-21834875-G-A. GRCh37 (hg19) VCF-style: chr1-22161368-G-A.
Other names: c.10527C>T, p.Phe3509= (NM_001291860.2).
Identifiers: ClinVar variation 3032234 (VCV003032234.3), dbSNP rs991985128, ClinGen allele CA19099431.